The following is an entry in ClinVar:

NM_020975.6(RET):c.1452G>C (p.Met484Ile)

Gene: RET (ret proto-oncogene; plus strand). Cytogenetic location: 10q11.21.
Variant type: single nucleotide variant.
Coding change: c.1452G>C on transcript NM_020975.6 (MANE Select); coding-DNA position 1452, G replaced by C.
Protein change: p.Met484Ile; replaces methionine 484 with isoleucine.
Molecular consequence: missense variant.
Genome position (GRCh38, 1-based): chr10:43,111,395, G>C. VCF-style: chr10-43111395-G-C. GRCh37 (hg19) VCF-style: chr10-43606843-G-C.
Other names: c.1452G>C, p.Met484Ile (NM_000323.2, NM_001406743.1, NM_001406744.1 and 6 more transcripts); c.690G>C, p.Met230Ile (NM_001355216.2); c.1323G>C, p.Met441Ile (NM_001406761.1, NM_001406762.1, NM_001406764.1 and 1 more transcripts); c.1164G>C, p.Met388Ile (NM_001406766.1, NM_001406767.1, NM_001406770.1); c.1056G>C, p.Met352Ile (NM_001406769.1, NM_001406772.1); c.1014G>C, p.Met338Ile (NM_001406771.1, NM_001406773.1); c.927G>C, p.Met309Ile (NM_001406774.1); c.726G>C, p.Met242Ile (NM_001406775.1, NM_001406776.1, NM_001406777.1 and 1 more transcripts); and 1 more; short protein forms M338I, M484I, M388I, M230I, M309I, M352I, M154I, M242I.
Identifiers: ClinVar variation 1941410 (VCV001941410.7), dbSNP rs2132773759, ClinGen allele CA376549698.

ClinVar aggregate classification (germline): Conflicting classifications of pathogenicity. Review status: criteria provided, conflicting classifications (1 of 4 stars). 2 submissions from 2 submitters: Uncertain significance (1); Likely benign (1). Last evaluated 2026-08-10.

Conditions:
Hereditary cancer-predisposing syndrome. Also called: Hereditary neoplastic syndrome; Neoplastic Syndromes, Hereditary; Tumor predisposition; Hereditary Cancer Syndrome. Identifiers: Orphanet 140162, MedGen C0027672, MeSH D009386, MONDO:0015356.
Multiple endocrine neoplasia, type 2 (MEN2). Identifiers: Orphanet 653, MedGen C4048306, MONDO:0019003. Disease mechanism: gain of function.

Submissions (2):

Ambry Genetics
Classification: Likely benign for Hereditary cancer-predisposing syndrome. Last evaluated: 2026-08-10. Review status: criteria provided, single submitter. Criteria: Ambry Variant Classification Scheme 2023. Collection method: clinical testing. Allele origin: germline.

Labcorp Genetics (formerly Invitae), Labcorp
Classification: Uncertain significance for Multiple endocrine neoplasia, type 2. Last evaluated: 2025-02-16. Review status: criteria provided, single submitter. Criteria: Invitae Variant Classification Sherloc (09022015). Collection method: clinical testing. Allele origin: germline.
Comment: This sequence change replaces methionine, which is neutral and non-polar, with isoleucine, which is neutral and non-polar, at codon 484 of the RET protein (p.Met484Ile). This variant is not present in population databases (gnomAD no frequency). This variant has not been reported in the literature in individuals affected with RET-related conditions. ClinVar contains an entry for this variant (Variation ID: 1941410). An algorithm developed to predict the effect of missense changes on protein structure and function (PolyPhen-2) suggests that this variant is likely to be tolerated. In summary, the available evidence is currently insufficient to determine the role of this variant in disease. Therefore, it has been classified as a Variant of Uncertain Significance.